The following is an entry in ClinVar:

ClinVar aggregate classification (germline): Likely benign. Review status: criteria provided, multiple submitters, no conflicts (2 of 4 stars). 2 submissions from 2 submitters: Likely benign (2). Last evaluated 2017-05-25.

Conditions:
Cardiovascular phenotype. Identifiers: MedGen CN230736.

Allele frequency attached by ClinVar (database versions not stated): ExAC 0.00001.
gnomAD v4.1: 3 of 1,613,470 alleles (0.00019%); highest among the groups gnomAD compares: Non-Finnish European, 0.00025%; no homozygotes.

Submissions (2):

GeneDx
Classification: Likely benign. Last evaluated: 2017-05-25. Review status: criteria provided, single submitter. Criteria: GeneDx Variant Classification (06012015). Collection method: clinical testing. Allele origin: germline. Affected: yes.
Comment: This variant is considered likely benign or benign based on one or more of the following criteria: it is a conservative change, it occurs at a poorly conserved position in the protein, it is predicted to be benign by multiple in silico algorithms, and/or has population frequency not consistent with disease.

Ambry Genetics
Classification: Likely benign for Cardiovascular phenotype. Last evaluated: 2015-07-31. Review status: criteria provided, single submitter. Criteria: Ambry Variant Classification Scheme 2023. Collection method: clinical testing. Allele origin: germline.

NM_004415.4(DSP):c.774G>C (p.Leu258=)

Gene: DSP (desmoplakin; plus strand). Cytogenetic location: 6p24.3.
Variant type: single nucleotide variant.
Coding change: c.774G>C on transcript NM_004415.4 (MANE Select); coding-DNA position 774, G replaced by C.
Protein change: p.Leu258=; no amino-acid change (leucine 258 retained).
Molecular consequence: synonymous variant.
Genome position (GRCh38, 1-based): chr6:7,563,783, G>C. VCF-style: chr6-7563783-G-C. GRCh37 (hg19) VCF-style: chr6-7564016-G-C.
Other names: c.774G>C (LRG_423t1); c.774G>C, p.Leu258= (NM_001008844.3, NM_001319034.2).
Identifiers: ClinVar variation 264203 (VCV000264203.5), dbSNP rs753228677, ClinGen allele CA050616.